The following is an entry in ClinVar:

NM_007194.4(CHEK2):c.8G>C (p.Arg3Pro)

Gene: CHEK2 (checkpoint kinase 2; minus strand). Cytogenetic location: 22q12.1.
Variant type: single nucleotide variant.
Coding change: c.8G>C on transcript NM_007194.4 (MANE Select); coding-DNA position 8, G replaced by C.
Protein change: p.Arg3Pro; replaces arginine 3 with proline.
Molecular consequence: missense variant.
Genome position (GRCh38, 1-based): chr22:28,734,714, C>G on the plus strand (G>C on the coding strand, the complement: CHEK2 is on the minus strand). VCF-style: chr22-28734714-C-G. GRCh37 (hg19) VCF-style: chr22-29130702-C-G.
Other names: c.8G>C, p.Arg3Pro (NM_001005735.3, NM_001349956.3, NM_145862.3); c.-770G>C (NM_001257387.3); short protein forms R3P.
Identifiers: ClinVar variation 491653 (VCV000491653.7), dbSNP rs779607427, ClinGen allele CA411092139.

ClinVar aggregate classification (germline): Uncertain significance. Review status: criteria provided, multiple submitters, no conflicts (2 of 4 stars). 2 submissions from 2 submitters: Uncertain significance (2). Last evaluated 2022-11-14.

Conditions:
Familial cancer of breast. Also called: Hereditary breast cancer; hereditary breast carcinoma; BREAST CANCER, FAMILIAL. Identifiers: Orphanet 227535, MedGen C0346153, MONDO:0016419, OMIM 114480. Disease mechanism: loss of function.
Hereditary cancer-predisposing syndrome. Also called: Hereditary neoplastic syndrome; Tumor predisposition; Hereditary Cancer Syndrome; Neoplastic Syndromes, Hereditary. Identifiers: Orphanet 140162, MedGen C0027672, MeSH D009386, MONDO:0015356.

Submissions (2):

Labcorp Genetics (formerly Invitae), Labcorp
Classification: Uncertain significance for Familial cancer of breast. Last evaluated: 2022-11-14. Review status: criteria provided, single submitter. Criteria: Invitae Variant Classification Sherloc (09022015). Collection method: clinical testing. Allele origin: germline.
Comment: This sequence change replaces arginine, which is basic and polar, with proline, which is neutral and non-polar, at codon 3 of the CHEK2 protein (p.Arg3Pro). This variant is not present in population databases (gnomAD no frequency). This variant has not been reported in the literature in individuals affected with CHEK2-related conditions. ClinVar contains an entry for this variant (Variation ID: 491653). Algorithms developed to predict the effect of missense changes on protein structure and function are either unavailable or do not agree on the potential impact of this missense change (SIFT: "Deleterious"; PolyPhen-2: "Benign"; Align-GVGD: "Class C0"). In summary, the available evidence is currently insufficient to determine the role of this variant in disease. Therefore, it has been classified as a Variant of Uncertain Significance.

Color Diagnostics, LLC DBA Color Health
Classification: Uncertain significance for Hereditary cancer-predisposing syndrome. Last evaluated: 2019-02-10. Review status: criteria provided, single submitter. Criteria: ACMG Guidelines, 2015. Collection method: clinical testing. Allele origin: germline.